The following is an entry in ClinVar:

ClinVar aggregate classification (germline): Benign (0 of 4 stars; one submission).

Conditions:
SPEN-related disorder. Also called: SPEN-related condition.

Submission:

PreventionGenetics, part of Exact Sciences
Classification: Benign for SPEN-related condition. Last evaluated: 2024-06-04. Review status: no assertion criteria provided. Collection method: clinical testing. Allele origin: germline.
Comment: This variant is classified as benign based on ACMG/AMP sequence variant interpretation guidelines (Richards et al. 2015 PMID: 25741868, with internal and published modifications).

NM_015001.3(SPEN):c.9753TGTCCC[3] (p.Pro3255_Leu3256insValPro)

Gene: SPEN (spen family transcriptional repressor; plus strand). Cytogenetic location: 1p36.13.
Variant type: Microsatellite.
Coding change: c.9753TGTCCC[3] on transcript NM_015001.3 (MANE Select); three copies in a row of the 6-base unit TGTCCC starting at c.9753; the reference has two copies in a row; one copy, 6 bases duplicated.
Protein change: p.Pro3255_Leu3256insValPro.
Genome position (GRCh38, 1-based): chr1:15,935,999-15,936,004, TGTCCC duplicated; duplicating any 6 consecutive bases within chr1:15,935,988-15,936,004 gives the same sequence; the position shown is the placement nearest the transcript's 3' end. VCF-style (leftmost placement, unchanged base first): chr1-15935987-C-CGTCCCT. GRCh37 (hg19) VCF-style: chr1-16262482-C-CGTCCCT.
Identifiers: ClinVar variation 3059590 (VCV003059590.2), dbSNP rs752807690, ClinGen allele CA620557.